The following is an entry in ClinVar:

NM_005422.4(TECTA):c.536C>T (p.Thr179Ile)

Genes: TBCEL-TECTA (TBCEL-TECTA readthrough; plus strand), TECTA (tectorin alpha; plus strand). Cytogenetic location: 11q23.3.
Variant type: single nucleotide variant.
Coding change: c.536C>T on transcript NM_005422.4 (MANE Select); coding-DNA position 536, C replaced by T.
Protein change: p.Thr179Ile; replaces threonine 179 with isoleucine.
Molecular consequence: missense variant.
Genome position (GRCh38, 1-based): chr11:121,113,121, C>T. VCF-style: chr11-121113121-C-T. GRCh37 (hg19) VCF-style: chr11-120983830-C-T.
Other names: c.1493C>T, p.Thr498Ile (NM_001378761.1); short protein forms T179I, T498I.
Identifiers: ClinVar variation 1704659 (VCV001704659.4), dbSNP rs762912420, ClinGen allele CA383021730.

ClinVar aggregate classification (germline): Uncertain significance. Review status: criteria provided, multiple submitters, no conflicts (2 of 4 stars). 2 submissions from 2 submitters: Uncertain significance (2). Last evaluated 2026-09-30.

gnomAD v4.1: 90 of 1,614,134 alleles (0.0056%); highest among the groups gnomAD compares: Non-Finnish European, 0.0075%; no homozygotes.

Submissions (2):

GeneDx
Classification: Uncertain significance. Last evaluated: 2026-09-30. Review status: criteria provided, single submitter. Criteria: GeneDx Variant Classification Process June 2021. Collection method: clinical testing. Allele origin: germline.
Comment: Not observed at significant frequency in large population cohorts (gnomAD); In silico analysis suggests that this missense variant does not alter protein structure/function; Has not been previously published as pathogenic or benign to our knowledge; This variant is associated with the following publications: (PMID: 21520338, 9590290, 31554319)

Blueprint Genetics
Classification: Uncertain significance. Last evaluated: 2019-08-07. Review status: criteria provided, single submitter. Criteria: ACMG Guidelines, 2015. Collection method: clinical testing. Allele origin: germline.